The following is an entry in ClinVar:

NM_005670.4(EPM2A):c.920_921dup (p.Glu308fs)

Gene: EPM2A (EPM2A glucan phosphatase, laforin; minus strand). Cytogenetic location: 6q24.3.
Variant type: Duplication.
Coding change: c.920_921dup on transcript NM_005670.4 (MANE Select); coding-DNA positions 920 to 921, 2 bases duplicated (AA; older notation c.920_921dupAA).
Protein change: p.Glu308fs; shifts the reading frame from glutamic acid 308.
Molecular consequence: frameshift variant. On other transcripts: 3 prime UTR variant (1), non-coding transcript variant (1).
Genome position (GRCh38, 1-based): chr6:145,627,491-145,627,492, TT duplicated on the plus strand (AA on the coding strand, the reverse complement: EPM2A is on the minus strand). VCF-style (leftmost placement, unchanged base first): chr6-145627490-C-CTT. GRCh37 (hg19) VCF-style: chr6-145948626-C-CTT.
Other names: c.920_921dup, p.Glu308fs (NM_001018041.2); c.*3_*4dup (NM_001360057.2); c.506_507dup, p.Glu170fs (NM_001360064.2, NM_001360071.2, NM_001368131.1); c.458_459dup, p.Glu154fs (NM_001368129.2, NM_001368132.1); short protein forms E154fs, E170fs, E308fs.
Identifiers: ClinVar variation 4718816 (VCV004718816.1).

ClinVar aggregate classification (germline): Pathogenic (1 of 4 stars; one submission).

Conditions:
Progressive myoclonic epilepsy. Also called: Myoclonus epilepsy; Progressive myoclonus epilepsy; Familial progressive myoclonic epilepsy; Myoclonic Epilepsies, Progressive. Identifiers: Orphanet 308, Orphanet 98261, MedGen C0751778, MONDO:0020074.

Submission:

Labcorp Genetics (formerly Invitae), Labcorp
Classification: Pathogenic for Progressive myoclonic epilepsy. Last evaluated: 2025-05-02. Review status: criteria provided, single submitter. Criteria: Invitae Variant Classification Sherloc (09022015). Collection method: clinical testing. Allele origin: germline.
Comment: This sequence change is expected to alter the c-terminus of the EPM2A protein (p.Glu308Lysfs*43). While this is not anticipated to result in nonsense mediated decay, it is expected to disrupt the last 24 amino acid(s) of the EPM2A protein and extend the protein by 18 additional amino acid residues. This variant is not present in population databases (gnomAD no frequency). This variant has not been reported in the literature in individuals affected with EPM2A-related conditions. This variant disrupts a region of the EPM2A protein in which other variant(s) (p.Gln319Profs*12) have been determined to be pathogenic (PMID: 14722920). This suggests that this is a clinically significant region of the protein, and that variants that disrupt it are likely to be disease-causing. For these reasons, this variant has been classified as Pathogenic.

Literature cited by the submitters: PubMed 14722920.